The following is an entry in ClinVar:

ClinVar aggregate classification (germline): Likely benign. Review status: criteria provided, multiple submitters, no conflicts (2 of 4 stars). 2 submissions from 2 submitters: Likely benign (2). Last evaluated 2024-10-10.

Conditions:
Developmental and epileptic encephalopathy, 14 (DEE14). Also called: Early infantile epileptic encephalopathy 14. Identifiers: Orphanet 293181, MedGen C3554195, MONDO:0013989, OMIM 614959.
Autosomal dominant nocturnal frontal lobe epilepsy 5. Also called: CILIARY DYSKINESIA, PRIMARY, 28, WITH SITUS INVERSUS; Epilepsy, nocturnal frontal lobe, 5; CILIARY DYSKINESIA, PRIMARY, 28, WITHOUT SITUS INVERSUS; KCNT1-Related Epilepsy. Identifiers: Orphanet 98784, MedGen C3554306, MONDO:0014002, OMIM 615005.

Allele frequency attached by ClinVar (database versions not stated): ExAC 0.00002; gnomAD exomes 0.00002 and 0.00003; TOPMed 0.00003; gnomAD 0.00004.
gnomAD v4.1: 36 of 1,605,670 alleles (0.0022%); highest among the groups gnomAD compares: Admixed American, 0.0084%; no homozygotes.

Submissions (2):

Labcorp Genetics (formerly Invitae), Labcorp
Classification: Likely benign for Autosomal dominant nocturnal frontal lobe epilepsy 5; Developmental and epileptic encephalopathy, 14. Last evaluated: 2024-10-10. Review status: criteria provided, single submitter. Criteria: Invitae Variant Classification Sherloc (09022015). Collection method: clinical testing. Allele origin: germline.

CeGaT Center for Human Genetics Tuebingen
Classification: Likely benign. Last evaluated: 2024-08-01. Review status: criteria provided, single submitter. Criteria: CeGaT Center For Human Genetics Tuebingen Variant Classification Criteria Version 2. Collection method: clinical testing. Allele origin: germline. Affected: yes. Observed: 1 variant allele.
Comment: KCNT1: BP4

NM_020822.3(KCNT1):c.2008+8G>A

Gene: KCNT1 (potassium sodium-activated channel subfamily T member 1; plus strand). Cytogenetic location: 9q34.3.
Variant type: single nucleotide variant.
Coding change: c.2008+8G>A on transcript NM_020822.3 (MANE Select); 8 bases into the intron after coding-DNA position 2008, G replaced by A.
Molecular consequence: intron variant.
Genome position (GRCh38, 1-based): chr9:135,771,103, G>A. VCF-style: chr9-135771103-G-A. GRCh37 (hg19) VCF-style: chr9-138662949-G-A.
Other names: c.1873+8G>A (NM_001272003.2).
Identifiers: ClinVar variation 417219 (VCV000417219.28), dbSNP rs759334176, ClinGen allele CA5327145.